The following is an entry in ClinVar:

ClinVar aggregate classification (germline): Benign (1 of 4 stars; one submission).

Allele frequency attached by ClinVar (database versions not stated): 1000 Genomes Project 0.06569; 1000 Genomes Project 30x 0.06761; TOPMed 0.10419; gnomAD 0.11287 and 0.11472.
gnomAD v4.1: 17,161 of 151,998 alleles (11%); highest among the groups gnomAD compares: Non-Finnish European, 16%; 1,235 homozygotes.

Submission:

GeneDx
Classification: Benign. Last evaluated: 2018-06-19. Review status: criteria provided, single submitter. Criteria: GeneDx Variant Classification (06012015). Collection method: clinical testing. Allele origin: germline. Affected: yes.
Comment: This variant is considered likely benign or benign based on one or more of the following criteria: it is a conservative change, it occurs at a poorly conserved position in the protein, it is predicted to be benign by multiple in silico algorithms, and/or has population frequency not consistent with disease.

NM_001843.4(CNTN1):c.2981-238C>A

Gene: CNTN1 (contactin 1; plus strand). Cytogenetic location: 12q12.
Variant type: single nucleotide variant.
Coding change: c.2981-238C>A on transcript NM_001843.4 (MANE Select); 238 bases into the intron before coding-DNA position 2981, C replaced by A.
Molecular consequence: intron variant.
Genome position (GRCh38, 1-based): chr12:41,069,721, C>A. VCF-style: chr12-41069721-C-A. GRCh37 (hg19) VCF-style: chr12-41463523-C-A.
Other names: c.2948-238C>A (NM_175038.2).
Identifiers: ClinVar variation 679925 (VCV000679925.1), dbSNP rs10879631, ClinGen allele CA235953249.